The following is an entry in ClinVar:

NM_052988.5(CDK10):c.1054G>A (p.Glu352Lys)

Gene: CDK10 (cyclin dependent kinase 10; plus strand). Cytogenetic location: 16q24.3.
Variant type: single nucleotide variant.
Coding change: c.1054G>A on transcript NM_052988.5 (MANE Select); coding-DNA position 1054, G replaced by A.
Protein change: p.Glu352Lys; replaces glutamic acid 352 with lysine.
Molecular consequence: missense variant. On other transcripts: non-coding transcript variant (1), intron variant (1).
Genome position (GRCh38, 1-based): chr16:89,695,663, G>A. VCF-style: chr16-89695663-G-A. GRCh37 (hg19) VCF-style: chr16-89762071-G-A.
Other names: c.823G>A, p.Glu275Lys (NM_001098533.3); c.841G>A, p.Glu281Lys (NM_001160367.2); c.773-66G>A (NM_052987.4); short protein forms E275K, E281K, E352K.
Identifiers: ClinVar variation 3364666 (VCV003364666.1).

ClinVar aggregate classification (germline): Uncertain significance (1 of 4 stars; one submission).

gnomAD v4.1: 124 of 1,602,188 alleles (0.0077%); highest among the groups gnomAD compares: Non-Finnish European, 0.0098%; no homozygotes.

Submission:

GeneDx
Classification: Uncertain significance. Last evaluated: 2023-11-20. Review status: criteria provided, single submitter. Criteria: GeneDx Variant Classification Process June 2021. Collection method: clinical testing. Allele origin: germline. Affected: yes.
Comment: In silico analysis supports that this missense variant does not alter protein structure/function; Has not been previously published as pathogenic or benign to our knowledge